The following is an entry in ClinVar:

ClinVar aggregate classification (germline): Benign. Review status: criteria provided, multiple submitters, no conflicts (2 of 4 stars). 5 submissions from 5 submitters: Benign (5). Last evaluated 2026-01-05.

Conditions:
Hereditary cancer-predisposing syndrome. Also called: Neoplastic Syndromes, Hereditary; Hereditary neoplastic syndrome; Hereditary Cancer Syndrome; Tumor predisposition. Identifiers: Orphanet 140162, MedGen C0027672, MeSH D009386, MONDO:0015356.
Von Hippel-Lindau syndrome (VHLS). Also called: Von Hippel-Lindau; von Hippel–Lindau syndrome; VHL syndrome. Identifiers: Orphanet 892, MedGen C0019562, MONDO:0008667, OMIM 193300. Disease mechanism: loss of function.
Chuvash polycythemia. Also called: POLYCYTHEMIA, VHL-DEPENDENT. Identifiers: Orphanet 238557, MedGen C1837915, MONDO:0009892, OMIM 263400.

Allele frequency attached by ClinVar (database versions not stated): 1000 Genomes Project 30x 0.52701; 1000 Genomes Project 0.54333; TOPMed 0.54762; gnomAD 0.56161 and 0.56805.

Submissions (5):

Labcorp Genetics (formerly Invitae), Labcorp
Classification: Benign for Von Hippel-Lindau syndrome; Chuvash polycythemia. Last evaluated: 2026-01-05. Review status: criteria provided, single submitter. Criteria: Invitae Variant Classification Sherloc (09022015). Collection method: clinical testing. Allele origin: germline.

GeneKor MSA
Classification: Benign for Hereditary cancer-predisposing syndrome. Last evaluated: 2025-07-10. Review status: criteria provided, single submitter. Criteria: ACMG Guidelines, 2015. Collection method: clinical testing. Allele origin: germline.

GeneDx
Classification: Benign. Last evaluated: 2018-06-22. Review status: criteria provided, single submitter. Criteria: GeneDx Variant Classification Process June 2021. Collection method: clinical testing. Allele origin: germline. Affected: yes.
Comment: This variant is associated with the following publications: (PMID: 22084938)

Illumina Laboratory Services, Illumina
Classification: Benign for Von Hippel-Lindau syndrome. Last evaluated: 2018-01-12. Review status: criteria provided, single submitter. Criteria: ICSL Variant Classification Criteria 13 December 2019. Collection method: clinical testing. Allele origin: germline.
Comment: This variant was observed in the ICSL laboratory as part of a predisposition screen in an ostensibly healthy population. It had not been previously curated by ICSL or reported in the Human Gene Mutation Database (HGMD: prior to June 1st, 2018), and was therefore a candidate for classification through an automated scoring system. Utilizing variant allele frequency, disease prevalence and penetrance estimates, and inheritance mode, an automated score was calculated to assess if this variant is too frequent to cause the disease. Based on the score and internal cut-off values, a variant classified as benign is not then subjected to further curation. The score for this variant resulted in a classification of benign for this disease.

Breakthrough Genomics
Classification: Benign. Review status: criteria provided, single submitter. Criteria: ACMG Guidelines, 2015. Collection method: not provided. Allele origin: germline. Inheritance: Autosomal recessive inheritance. Affected: yes.

NM_000551.4(VHL):c.-195G>A

Gene: VHL (von Hippel-Lindau tumor suppressor; plus strand). Cytogenetic location: 3p25.3.
Variant type: single nucleotide variant.
Coding change: c.-195G>A on transcript NM_000551.4 (MANE Select); 195 bases upstream of the start codon, G replaced by A.
Genome position (GRCh38, 1-based): chr3:10,141,653, G>A. VCF-style: chr3-10141653-G-A. GRCh37 (hg19) VCF-style: chr3-10183337-G-A.
Identifiers: ClinVar variation 342397 (VCV000342397.18), dbSNP rs779805, ClinGen allele CA10616661.